The following is an entry in ClinVar:

ClinVar aggregate classification (germline): Pathogenic (1 of 4 stars; one submission).

Conditions:
Deficiency of mevalonate kinase. Also called: Mevalonate kinase deficiency. Identifiers: Orphanet 309025, MedGen C0342731, MONDO:0017708.

Submission:

Myriad Genetics, Inc.
Classification: Pathogenic for Deficiency of mevalonate kinase. Last evaluated: 2025-05-09. Review status: criteria provided, single submitter. Criteria: Myriad Autosomal Dominant, Autosomal Recessive and X-Linked Classification Criteria (2023). Collection method: clinical testing. Allele origin: unknown.
Comment: NM_000431.2(MVK):c.376delC(L126Cfs*7) is expected to be pathogenic in the context of mevalonate kinase deficiency. This variant is predicted to lead to an abnormal or absent protein product due to the creation of a premature termination codon in MVK, a gene where loss-of-function variants are known to be pathogenic. Please note: this variant was assessed in the context of healthy population screening.

NM_000431.4(MVK):c.376del (p.Leu126fs)

Gene: MVK (mevalonate kinase; plus strand). Cytogenetic location: 12q24.11.
Variant type: Deletion.
Coding change: c.376del on transcript NM_000431.4 (MANE Select); coding-DNA position 376, one base deleted (C; older notation c.376delC).
Protein change: p.Leu126fs; shifts the reading frame from leucine 126.
Molecular consequence: frameshift variant. On other transcripts: 5 prime UTR variant (1), non-coding transcript variant (3), intron variant (2).
Genome position (GRCh38, 1-based): chr12:109,581,399, C deleted; the last of 3 consecutive C bases (chr12:109,581,397-109,581,399); deleting any one gives the same sequence. VCF-style (leftmost placement, unchanged base first): chr12-109581396-GC-G. GRCh37 (hg19) VCF-style: chr12-110019201-GC-G.
Other names: c.376del, p.Leu126fs (NM_001114185.3, NM_001414511.1, NM_001414512.1 and 1 more transcripts); c.-207del (NM_001414515.1); c.371+1453del (NM_001414514.1, NM_001301182.2); short protein forms L126fs.
Identifiers: ClinVar variation 5014409 (VCV005014409.1).